The following is an entry in ClinVar:

ClinVar aggregate classification (germline): Uncertain significance (1 of 4 stars; one submission).

Conditions:
46,XY sex reversal 6. Also called: 46,XY SEX REVERSAL, PARTIAL OR COMPLETE, MAP3K1-RELATED; 46,XY GONADAL DYSGENESIS, PARTIAL OR COMPLETE, MAP3K1-RELATED. Identifiers: MedGen C3151064, MONDO:0013410, OMIM 613762.

Allele frequency attached by ClinVar (database versions not stated): gnomAD exomes below 0.00001; ExAC 0.00001; gnomAD 0.00001; 1000 Genomes Project 30x 0.00016; 1000 Genomes Project 0.00020.
gnomAD v4.1: 1 of 1,613,782 alleles (0.000062%); highest among the groups gnomAD compares: South Asian, 0.0011%; no homozygotes.

Submission:

Labcorp Genetics (formerly Invitae), Labcorp
Classification: Uncertain significance for 46,XY sex reversal 6. Last evaluated: 2022-07-05. Review status: criteria provided, single submitter. Criteria: Invitae Variant Classification Sherloc (09022015). Collection method: clinical testing. Allele origin: germline.
Comment: In summary, the available evidence is currently insufficient to determine the role of this variant in disease. Therefore, it has been classified as a Variant of Uncertain Significance. This variant disrupts the p.Ala1443 amino acid residue in MAP3K1. Other variant(s) that disrupt this residue have been observed in individuals with MAP3K1-related conditions (PMID: 27899157), which suggests that this may be a clinically significant amino acid residue. Algorithms developed to predict the effect of missense changes on protein structure and function output the following: SIFT: "Deleterious"; PolyPhen-2: "Benign"; Align-GVGD: "Class C0". The threonine amino acid residue is found in multiple mammalian species, which suggests that this missense change does not adversely affect protein function. ClinVar contains an entry for this variant (Variation ID: 661215). This variant has not been reported in the literature in individuals affected with MAP3K1-related conditions. This variant is present in population databases (rs559360433, gnomAD 0.003%). This sequence change replaces alanine, which is neutral and non-polar, with threonine, which is neutral and polar, at codon 1443 of the MAP3K1 protein (p.Ala1443Thr).

Literature cited by the submitters: PubMed 27899157.

NM_005921.2(MAP3K1):c.4327G>A (p.Ala1443Thr)

Gene: MAP3K1 (mitogen-activated protein kinase kinase kinase 1; plus strand). Cytogenetic location: 5q11.2.
Variant type: single nucleotide variant.
Coding change: c.4327G>A on transcript NM_005921.2 (MANE Select); coding-DNA position 4327, G replaced by A.
Protein change: p.Ala1443Thr; replaces alanine 1443 with threonine.
Molecular consequence: missense variant.
Genome position (GRCh38, 1-based): chr5:56,888,295, G>A. VCF-style: chr5-56888295-G-A. GRCh37 (hg19) VCF-style: chr5-56184122-G-A.
Other names: short protein forms A1443T.
Identifiers: ClinVar variation 661215 (VCV000661215.9), dbSNP rs559360433, ClinGen allele CA3273366.
Genomic context (GRCh38, chr5:56,888,295, plus strand): 5'-GGTCAACAGTATGGAAGGAGCTGTGATGTATGGAGTGTTGGCTGTGCTATTATAGAAATG[G>A]CTTGTGCAAAACCACCATGGAATGCAGAAAAACACTCCAATCATCTTGCTTTGATATTTA-3'
Protein context (NP_005912.1, residues 1433-1453): WSVGCAIIEM[Ala1443Thr]CAKPPWNAEK